The following is an entry in ClinVar:

ClinVar aggregate classification (germline): Pathogenic. Review status: criteria provided, multiple submitters, no conflicts (2 of 4 stars). 3 submissions from 3 submitters: Pathogenic (2). 1 of the submissions does not count toward it. Last evaluated 2026-04-22.

Conditions:
COL12A1-related disorder. Also called: COL12A1-related condition.

gnomAD v4.1: 2 of 1,604,554 alleles (0.00012%); highest among the groups gnomAD compares: Non-Finnish European, 0.00017%; no homozygotes.

Submissions (3):

Dasa
Classification: Pathogenic. Last evaluated: 2026-04-22. Review status: criteria provided, single submitter. Criteria: DASA Assertion Criteria. Collection method: clinical testing. Allele origin: germline.
Comment: NM_004370.6(COL12A1):c.2179C>T (p.Arg727*) introduces a premature termination codon predicted to result in loss of normal protein function. Loss-of-function is an established mechanism of disease for this gene. This variant has been observed in affected individuals with related phenotype in a genotype context consistent with recessive disease. The variant is present at low frequency in population datasets. Based on the available data, this variant is classified as pathogenic.

GeneDx
Classification: Pathogenic. Last evaluated: 2020-03-24. Review status: criteria provided, single submitter. Criteria: GeneDx Variant Classification Process June 2021. Collection method: clinical testing. Allele origin: germline. Affected: yes.
Comment: Has not been previously published as pathogenic or benign to our knowledge; Not observed in large population cohorts (Lek et al., 2016); Nonsense variant predicted to result in protein truncation or nonsense mediated decay in a gene for which loss-of-function is a mechanism of disease for autosomal recessive myopathic EDS

PreventionGenetics, part of Exact Sciences
Classification: Likely pathogenic for COL12A1-related condition. Last evaluated: 2023-12-26. Review status: no assertion criteria provided. Collection method: clinical testing. Allele origin: germline. Not counted in ClinVar's aggregate classification.
Comment: The COL12A1 c.2179C>T variant is predicted to result in premature protein termination (p.Arg727*). To our knowledge, this variant has not been reported in the literature or in a large population database, indicating this variant is rare. Nonsense variants in COL12A1 are expected to be pathogenic. This variant is interpreted as likely pathogenic for autosomal recessive COL12A1-associated conditions and interpreted as a variant of uncertain significance for autosomal dominant COL12A1-associated conditions.

NM_004370.6(COL12A1):c.2179C>T (p.Arg727Ter)

Gene: COL12A1 (collagen type XII alpha 1 chain; minus strand). Cytogenetic location: 6q13.
Variant type: single nucleotide variant.
Coding change: c.2179C>T on transcript NM_004370.6 (MANE Select); coding-DNA position 2179, C replaced by T.
Protein change: p.Arg727Ter; replaces arginine 727 with a stop codon.
Molecular consequence: nonsense. On other transcripts: intron variant (1).
Genome position (GRCh38, 1-based): chr6:75,177,921, G>A on the plus strand (C>T on the coding strand, the complement: COL12A1 is on the minus strand). VCF-style: chr6-75177921-G-A. GRCh37 (hg19) VCF-style: chr6-75887637-G-A.
Other names: c.73+24799C>T (NM_080645.3); short protein forms R727*.
Identifiers: ClinVar variation 423866 (VCV000423866.6), dbSNP rs1064796670, ClinGen allele CA16618309.